The following is an entry in ClinVar:

NM_001943.5(DSG2):c.2434G>T (p.Gly812Cys)

Genes: DSG2 (desmoglein 2; plus strand), DSG2-AS1 (DSG2 antisense RNA 1; minus strand). Cytogenetic location: 18q12.1.
Variant type: single nucleotide variant.
Coding change: c.2434G>T on transcript NM_001943.5 (MANE Select); coding-DNA position 2434, G replaced by T.
Protein change: p.Gly812Cys; replaces glycine 812 with cysteine.
Molecular consequence: missense variant. On other transcripts: non-coding transcript variant (1).
Genome position (GRCh38, 1-based): chr18:31,545,820, G>T. VCF-style: chr18-31545820-G-T. GRCh37 (hg19) VCF-style: chr18-29125783-G-T.
Other names: short protein forms G812C.
Identifiers: ClinVar variation 16814 (VCV000016814.29), dbSNP rs121913010, ClinGen allele CA021794.

ClinVar aggregate classification (germline): Conflicting classifications of pathogenicity. Review status: criteria provided, conflicting classifications (1 of 4 stars). 10 submissions from 10 submitters: Likely pathogenic (2); Uncertain significance (5). 3 of the submissions do not count toward it. Last evaluated 2025-12-23.

Conditions:
DSG2-related disorders.
DSG2-related disorder. Also called: DSG2-related condition.
Cardiovascular phenotype. Identifiers: MedGen CN230736.
Arrhythmogenic right ventricular cardiomyopathy (ARVD). Also called: Arrhythmogenic Right Ventricular Cardiomyopathy (ARVC); Cardiomyopathy, ARVC; Arrhythmogenic right ventricular dysplasia; Arrhythmogenic cardiomyopathy. Identifiers: Orphanet 247, MedGen C0349788, MeSH D019571, MONDO:0016587. Disease mechanism: loss of function. Inheritance: Various modes of inheritance.
Cardiomyopathy (CMYO). Also called: Cardiomyopathies. Identifiers: Orphanet 167848, MedGen C0878544, MONDO:0004994, HP:0001638. Inheritance: Various modes of inheritance.
Arrhythmogenic right ventricular dysplasia 10. Also called: Arrhythmogenic right ventricular dysplasia/cardiomyopathy, type 10; Arrhythmogenic Right Ventricular Dysplasia/Cardiomyopathy10; ARRHYTHMOGENIC RIGHT VENTRICULAR DYSPLASIA, FAMILIAL, 10. Identifiers: MedGen C1857777, MONDO:0012434, OMIM 610193.

Allele frequency attached by ClinVar (database versions not stated): TOPMed 0.00002.
gnomAD v4.1: 18 of 1,614,012 alleles (0.0011%); highest among the groups gnomAD compares: Non-Finnish European, 0.0014%; no homozygotes.

Submissions (10):

Labcorp Genetics (formerly Invitae), Labcorp
Classification: Uncertain significance for Arrhythmogenic right ventricular dysplasia 10. Last evaluated: 2025-12-23. Review status: criteria provided, single submitter. Criteria: Invitae Variant Classification Sherloc (09022015). Collection method: clinical testing. Allele origin: germline.
Comment: This sequence change replaces glycine, which is neutral and non-polar, with cysteine, which is neutral and slightly polar, at codon 812 of the DSG2 protein (p.Gly812Cys). This variant is present in population databases (rs121913010, gnomAD 0.003%). This missense change has been observed in individual(s) with arrhythmogenic right ventricular cardiomyopathy and/or atrial fibrillation (PMID: 16773573, 36136372). This variant is also known as 2431G>T, G811C. ClinVar contains an entry for this variant (Variation ID: 16814). Invitae Evidence Modeling of protein sequence and biophysical properties (such as structural, functional, and spatial information, amino acid conservation, physicochemical variation, residue mobility, and thermodynamic stability) has been performed for this missense variant. However, the output from this modeling did not meet the statistical confidence thresholds required to predict the impact of this variant on DSG2 protein function. Experimental studies are conflicting or provide insufficient evidence to determine the effect of this variant on DSG2 function (PMID: 20708101, 25213555). In summary, the available evidence is currently insufficient to determine the role of this variant in disease. Therefore, it has been classified as a Variant of Uncertain Significance.

Ambry Genetics
Classification: Likely pathogenic for Cardiovascular phenotype. Last evaluated: 2025-08-15. Review status: criteria provided, single submitter. Criteria: Ambry Variant Classification Scheme 2023. Collection method: clinical testing. Allele origin: germline.
Comment: The p.G812C variant (also known as c.2434G>T), located in coding exon 15 of the DSG2 gene, results from a G to T substitution at nucleotide position 2434. The glycine at codon 812 is replaced by cysteine, an amino acid with highly dissimilar properties. This alteration has been reported in multiple probands with arrhythmogenic right ventricular cardiomyopathy (ARVC) (Awad MM et al. Am. J. Hum. Genet., 2006 Jul;79:136-42; Ambry internal data). Functional studies in vitro have demonstrated normal desmoglein-2 subcellular localization, protein-protein interactions, and cardiomyocyte cohesion; however, the mechanism by which alterations in DSG2 contribute to disease is not completely understood (Gehmlich K et al. Heart Rhythm, 2010 Oct;7:1446-53; Schlipp A et al. Cardiovasc. Res., 2014 Nov;104:245-57). This amino acid position is highly conserved in available vertebrate species. In addition, this alteration is predicted to be deleterious by in silico analysis. Based on the majority of available evidence to date, this variant is likely to be pathogenic.

All of Us Research Program, National Institutes of Health
Classification: Uncertain significance for Arrhythmogenic right ventricular cardiomyopathy. Last evaluated: 2024-05-30. Review status: criteria provided, single submitter. Criteria: ACMG Guidelines, 2015. Collection method: clinical testing. Allele origin: germline. Inheritance: Autosomal dominant inheritance. Observed: 10 variant alleles, 10 heterozygotes.
Comment: This missense variant replaces glycine with cysteine at codon 812 of the DSG2 protein. Computational prediction suggests that this variant may have deleterious impact on protein structure and function (internally defined REVEL score threshold >= 0.7, PMID: 27666373). Splice site prediction tools suggest that this variant may not impact RNA splicing. A functional study has shown that this variant does not affect membrane expression of the mutant protein and does not affect cardiomyocyte cohesion in vitro (PMID: 25213555). This variant has been reported in two individuals affected with arrhythmogenic right ventricular cardiomyopathy (ARVC) (PMID: 16773573, 20031617), in an individual affected with probable ARVC (PMID: 20857253) and in an individual affected with exercise-induced ARVC (PMID: 23871885). This variant has been identified in 3/249442 chromosomes in the general population by the Genome Aggregation Database (gnomAD). The available evidence is insufficient to determine the role of this variant in disease conclusively. Therefore, this variant is classified as a Variant of Uncertain Significance.

This study involves interpretation of variants in research participants for the purpose of population health screening. Participant phenotype was not available at the time of variant classification. Additional details can be found in publication PMID: 35346344, PMCID: PMC8962531

Color Diagnostics, LLC DBA Color Health
Classification: Uncertain significance for Cardiomyopathy. Last evaluated: 2024-05-03. Review status: criteria provided, single submitter. Criteria: ACMG Guidelines, 2015. Collection method: clinical testing. Allele origin: germline.
Comment: This missense variant replaces glycine with cysteine at codon 812 of the DSG2 protein. Computational prediction suggests that this variant may have deleterious impact on protein structure and function (internally defined REVEL score threshold >= 0.7, PMID: 27666373). A functional study has shown that this variant does not affect membrane expression of the mutant protein and does not affect cardiomyocyte cohesion in vitro (PMID: 25213555). This variant has been reported in individuals affected with or suspected of having arrhythmogenic right ventricular cardiomyopathy (ARVC) (PMID: 16773573, 20031617, 20857253, 23871885, 25820315). This variant has been identified in 3/249442 chromosomes in the general population by the Genome Aggregation Database (gnomAD). The available evidence is insufficient to determine the role of this variant in disease conclusively. Therefore, this variant is classified as a Variant of Uncertain Significance.

Laboratory for Molecular Medicine, Mass General Brigham Personalized Medicine
Classification: Uncertain significance. Last evaluated: 2023-01-20. Review status: criteria provided, single submitter. Criteria: ACMG Guidelines, 2015. Collection method: clinical testing. Allele origin: germline.
Comment: The p.Gly812Cys variant in DSG2 has been identified in at least 2 individuals with ARVC (Awad 2006, Ambry pers. comm., LMM data). It has also been identified in 0.003% (3/113164) of European chromosomes by gnomAD. Computational prediction tools and conservation analyses suggest that this variant may impact the protein, though this information is not predictive enough to determine pathogenicity. In contrast, in vitro functional studies do not provide strong support for or against an impact to the protein (Gehmlich 2010). In summary, the clinical significance of this variant is uncertain. ACMG/AMP Criteria applied: PM2, PP3, PS4_Supporting.

AiLife Diagnostics
Classification: Uncertain significance. Last evaluated: 2021-12-16. Review status: criteria provided, single submitter. Criteria: ACMG Guidelines, 2015. Collection method: clinical testing. Allele origin: germline. Affected: yes. Observed: 1 variant allele.

Blueprint Genetics
Classification: Likely pathogenic for DSG2-related disorders. Last evaluated: 2020-12-31. Review status: criteria provided, single submitter. Criteria: ACMG Guidelines, 2015. Collection method: clinical testing. Allele origin: germline. Affected: yes. Observed: 1 variant allele.

PreventionGenetics, part of Exact Sciences
Classification: Uncertain significance for DSG2-related condition. Last evaluated: 2023-12-18. Review status: no assertion criteria provided. Collection method: clinical testing. Allele origin: germline. Not counted in ClinVar's aggregate classification.
Comment: The DSG2 c.2434G>T variant is predicted to result in the amino acid substitution p.Gly812Cys. This variant has been reported in two individuals diagnosed with arrhythmogenic right ventricular cardiomyopathy (ARVC) (reported as p.Gly811Cys in Table 1, Awad et al. 2006. PubMed ID: 16773573; Tan et al. 2010. PubMed ID: 20857253). It was also been observed in an individual with suspected ARVC (den Haan et al. 2009. PubMed ID: 20031617) and another individual who experienced ARVC symptoms following strenuous exercise (Table S1, James et al. 2013. PubMed ID: 23871885). In vitro studies using rat cardiomyocytes found p.Gly812Cys-DSG2 had normal protein expression and cell membrane localization (Gehmlich et al. 2010. PubMed ID: 20708101). Additional experiments (same study) demonstrated this variant does not apparently alter plakoglobin binding affinity but were inconclusive regarding its effect on plakophilin-2 binding. Another study performed a cell fragmentation assay using mouse cardiomyocytes and found that the p.Gly812Cys variant did not significantly alter cell-cell adhesion relative to wild type (Schlipp et al. 2014. PubMed ID: 25213555). This variant is reported in 0.0027% of alleles in individuals of European (Non-Finnish) descent in gnomAD. At this time, the clinical significance of this variant is uncertain due to the absence of conclusive functional and genetic evidence.

CSER _CC_NCGL, University of Washington
Classification: Likely pathogenic for Cardiomyopathy, arrhythmogenic right ventricular. Last evaluated: 2014-06-01. Review status: no assertion criteria provided. Collection method: research. Allele origin: germline. Inheritance: Autosomal dominant inheritance. Study: ESP 6500 variant annotation. Not counted in ClinVar's aggregate classification.
Comment: Variants classified for the Actionable exomic incidental findings in 6503 participants: challenges of variant classification manuscript

OMIM
Classification: Pathogenic for ARRHYTHMOGENIC RIGHT VENTRICULAR DYSPLASIA, FAMILIAL, 10. Last evaluated: 2006-07-01. Review status: no assertion criteria provided. Collection method: literature only. Allele origin: germline. Not counted in ClinVar's aggregate classification.

Literature cited by the submitters: PubMed 16773573 (cited by 7 submitters); PubMed 36136372 (cited by Labcorp Genetics (formerly Invitae), Labcorp); PubMed 20708101 (cited by 4 submitters); PubMed 25213555 (cited by 4 submitters); PubMed 23299917 (cited by Ambry Genetics and AiLife Diagnostics); PubMed 24055113 (cited by Ambry Genetics and AiLife Diagnostics); PubMed 25637381 (cited by Ambry Genetics and AiLife Diagnostics); PubMed 20031617 (cited by 3 submitters); PubMed 20857253 (cited by 3 submitters); PubMed 23871885 (cited by All of Us Research Program, National Institutes of Health and Color Diagnostics, LLC DBA Color Health); PubMed 25820315 (cited by Color Diagnostics, LLC DBA Color Health); PubMed 18382419 (cited by Laboratory for Molecular Medicine, Mass General Brigham Personalized Medicine); PubMed 31402444 (cited by AiLife Diagnostics).